The following is an entry in ClinVar:

NM_001267550.2(TTN):c.61637dup (p.Tyr20547fs)

Genes: TTN (titin; minus strand), TTN-AS1 (TTN antisense RNA 1; plus strand). Cytogenetic location: 2q31.2.
Variant type: Duplication.
Coding change: c.61637dup on transcript NM_001267550.2 (MANE Select); coding-DNA position 61637, one base duplicated (A; older notation c.61637dupA).
Protein change: p.Tyr20547fs; shifts the reading frame from tyrosine 20547.
Molecular consequence: frameshift variant.
Genome position (GRCh38, 1-based): chr2:178,590,088, T duplicated on the plus strand (A on the coding strand, the reverse complement: TTN is on the minus strand); the first of 2 consecutive T bases (chr2:178,590,088-178,590,089); duplicating either gives the same sequence. VCF-style (leftmost placement, unchanged base first): chr2-178590087-C-CT. GRCh37 (hg19) VCF-style: chr2-179454814-C-CT.
Other names: c.56714dup, p.Tyr18906fs (NM_001256850.1); c.34442dup, p.Tyr11482fs (NM_003319.4); c.53933dup, p.Tyr17979fs (NM_133378.4); c.34817dup, p.Tyr11607fs (NM_133432.3); c.35018dup, p.Tyr11674fs (NM_133437.4); c.34442dupA (NM_003319.4); short protein forms Y11607fs, Y17979fs, Y20547fs, Y11482fs, Y18906fs, Y11674fs.
Identifiers: ClinVar variation 264218 (VCV000264218.6), dbSNP rs886039084, ClinGen allele CA10587488.

ClinVar aggregate classification (germline): Likely pathogenic. Review status: criteria provided, multiple submitters, no conflicts (2 of 4 stars). 2 submissions from 2 submitters: Likely pathogenic (2). Last evaluated 2025-03-12.

Conditions:
Cardiovascular phenotype. Identifiers: MedGen CN230736.
Dilated cardiomyopathy 1G (CMD1G). Identifiers: Orphanet 154, MedGen C1858763, MONDO:0011400, OMIM 604145.
Autosomal recessive limb-girdle muscular dystrophy type 2J (LGMDR10). Also called: MUSCULAR DYSTROPHY, LIMB-GIRDLE, AUTOSOMAL RECESSIVE 10; Limb-girdle muscular dystrophy, type 2J. Identifiers: Orphanet 140922, MedGen C1837342, MONDO:0012127, OMIM 608807.

Submissions (2):

Labcorp Genetics (formerly Invitae), Labcorp
Classification: Likely pathogenic for Dilated cardiomyopathy 1G; Autosomal recessive limb-girdle muscular dystrophy type 2J. Last evaluated: 2025-03-12. Review status: criteria provided, single submitter. Criteria: Invitae Variant Classification Sherloc (09022015). Collection method: clinical testing. Allele origin: germline.
Comment: This sequence change creates a premature translational stop signal (p.Tyr20547Valfs*6) in the TTN gene. While this is not anticipated to result in nonsense mediated decay, it is expected to create a truncated TTN protein. This variant is not present in population databases (gnomAD no frequency). This variant has not been reported in the literature in individuals affected with TTN-related conditions. ClinVar contains an entry for this variant (Variation ID: 264218). This variant is located in the A band of TTN (PMID: 25589632). Truncating variants in this region are significantly overrepresented in patients affected with dilated cardiomyopathy (PMID: 25589632). Truncating variants in this region have also been reported in individuals affected with autosomal recessive centronuclear myopathy (PMID: 23975875). In summary, the currently available evidence indicates that the variant is pathogenic, but additional data are needed to prove that conclusively. Therefore, this variant has been classified as Likely Pathogenic.

Ambry Genetics
Classification: Likely pathogenic for Cardiovascular phenotype. Last evaluated: 2015-09-04. Review status: criteria provided, single submitter. Criteria: Ambry Variant Classification Scheme 2023. Collection method: clinical testing. Allele origin: germline.
Comment: The c.34442dupA variant, located in coding exon 131 of the TTN gene, results from a duplication of A at nucleotide position 34442, causing a translational frameshift with a predicted alternate stop codon (p.Y11482Vfs*6). This variant was not reported in population based cohorts in the following databases: Database of Single Nucleotide Polymorphisms (dbSNP), NHLBI Exome Sequencing Project (ESP), and 1000 Genomes Project. In the ESP, this variant was not observed in 6069 samples (12138 alleles) with coverage at this position. Truncating alterations in TTN have been observed at a significantly higher frequency among patients with dilated cardiomyopathy (DCM), or 54/203 (27%), compared to patients with hypertrophic cardiomyopathy (3 of 231, 1%, P=3x10-16) and healthy controls (7 of 249, 3%, P=9x10-14). Among families with multiple relatives with DCM, studies have also provided strong data demonstrating segregation of TTN truncations with disease (Herman DS et al. N Engl J Med. 2012;366(7):619-28; Pugh TJ et al. Genet Med. 2014;16(8):601-8). The functional mechanism of TTN truncations leading to cardiomyopathy is not well understood; however, frameshifts are typically deleterious in nature (ACMG Standards and guidelines for the interpretation of sequence variants. Genet Med. 2015;17(5):405-24). As such, the c.34442dupA variant is classified as likely pathogenic.

Literature cited by the submitters: PubMed 25589632 (cited by Labcorp Genetics (formerly Invitae), Labcorp); PubMed 23975875 (cited by Labcorp Genetics (formerly Invitae), Labcorp).